The following is an entry in ClinVar:

ClinVar aggregate classification (germline): Uncertain significance (1 of 4 stars; one submission).

Conditions:
Chédiak-Higashi syndrome (CHS). Also called: Chediak-Higashi Syndrome. Identifiers: Orphanet 167, MedGen C0007965, MONDO:0008963, OMIM 214500.

Submission:

Labcorp Genetics (formerly Invitae), Labcorp
Classification: Uncertain significance for Chédiak-Higashi syndrome. Last evaluated: 2022-03-02. Review status: criteria provided, single submitter. Criteria: Invitae Variant Classification Sherloc (09022015). Collection method: clinical testing. Allele origin: germline.
Comment: This variant is not present in population databases (gnomAD no frequency). This sequence change replaces glutamine, which is neutral and polar, with lysine, which is basic and polar, at codon 1601 of the LYST protein (p.Gln1601Lys). This variant has not been reported in the literature in individuals affected with LYST-related conditions. In summary, the available evidence is currently insufficient to determine the role of this variant in disease. Therefore, it has been classified as a Variant of Uncertain Significance. Algorithms developed to predict the effect of missense changes on protein structure and function are either unavailable or do not agree on the potential impact of this missense change (SIFT: "Deleterious"; PolyPhen-2: "Benign"; Align-GVGD: "Class C0"). ClinVar contains an entry for this variant (Variation ID: 1040532).

NM_000081.4(LYST):c.4801C>A (p.Gln1601Lys)

Gene: LYST (lysosomal trafficking regulator; minus strand). Cytogenetic location: 1q42.3.
Variant type: single nucleotide variant.
Coding change: c.4801C>A on transcript NM_000081.4 (MANE Select); coding-DNA position 4801, C replaced by A.
Protein change: p.Gln1601Lys; replaces glutamine 1601 with lysine.
Molecular consequence: missense variant.
Genome position (GRCh38, 1-based): chr1:235,787,261, G>T on the plus strand (C>A on the coding strand, the complement: LYST is on the minus strand). VCF-style: chr1-235787261-G-T. GRCh37 (hg19) VCF-style: chr1-235950561-G-T.
Other names: c.4801C>A, p.Gln1601Lys (NM_001301365.1); short protein forms Q1601K.
Identifiers: ClinVar variation 1040532 (VCV001040532.8), dbSNP rs758162960, ClinGen allele CA344957443.
Genomic context (GRCh38, chr1:235,787,261, plus strand): 5'-TCTGTCCAGAGACCCATATGGAGATTTTCCCATGAATCCTCCTTTTCCCTTGGGGCTGCT[G>T]TAAGTAGGTGAGTACTAAATGTTGCCATTTGCTTGGGAGGAAAATATTCTCCTGTGATTC-3'
Protein context (NP_000072.2, residues 1591-1611): KWQHLVLTYL[Gln1601Lys]QPQGKRRIHG